The following is an entry in ClinVar:

ClinVar aggregate classification (germline): Conflicting classifications of pathogenicity. Review status: criteria provided, conflicting classifications (1 of 4 stars). 4 submissions from 4 submitters: Uncertain significance (3); Likely benign (1). Last evaluated 2023-09-18.

Conditions:
Inborn genetic diseases. Identifiers: MedGen C0950123, MeSH D030342.

Allele frequency attached by ClinVar (database versions not stated): gnomAD exomes 0.00001.
gnomAD v4.1: 11 of 1,211,586 alleles (0.00091%); highest among the groups gnomAD compares: Non-Finnish European, 0.0012%; no homozygotes.

Submissions (4):

GeneDx
Classification: Uncertain significance. Last evaluated: 2023-09-18. Review status: criteria provided, single submitter. Criteria: GeneDx Variant Classification Process June 2021. Collection method: clinical testing. Allele origin: germline. Affected: yes.
Comment: In silico analysis supports that this missense variant does not alter protein structure/function; Has not been previously published as pathogenic or benign to our knowledge

Labcorp Genetics (formerly Invitae), Labcorp
Classification: Uncertain significance. Last evaluated: 2023-07-10. Review status: criteria provided, single submitter. Criteria: Invitae Variant Classification Sherloc (09022015). Collection method: clinical testing. Allele origin: germline.
Comment: In summary, the available evidence is currently insufficient to determine the role of this variant in disease. Therefore, it has been classified as a Variant of Uncertain Significance. An algorithm developed to predict the effect of missense changes on protein structure and function (PolyPhen-2) suggests that this variant is likely to be tolerated. This variant has not been reported in the literature in individuals affected with ZC4H2-related conditions. This variant is present in population databases (no rsID available, gnomAD 0.001%). This sequence change replaces glutamic acid, which is acidic and polar, with lysine, which is basic and polar, at codon 106 of the ZC4H2 protein (p.Glu106Lys).

Ambry Genetics
Classification: Uncertain significance for Inborn genetic diseases. Last evaluated: 2023-06-12. Review status: criteria provided, single submitter. Criteria: Ambry Variant Classification Scheme 2023. Collection method: clinical testing. Allele origin: germline.

Blueprint Genetics
Classification: Likely benign. Last evaluated: 2018-10-18. Review status: criteria provided, single submitter. Criteria: ACMG Guidelines, 2015. Collection method: clinical testing. Allele origin: germline.

NM_018684.4(ZC4H2):c.316G>A (p.Glu106Lys)

Gene: ZC4H2 (zinc finger C4H2-type containing; minus strand). Cytogenetic location: Xq11.2.
Variant type: single nucleotide variant.
Coding change: c.316G>A on transcript NM_018684.4 (MANE Select); coding-DNA position 316, G replaced by A.
Protein change: p.Glu106Lys; replaces glutamic acid 106 with lysine.
Molecular consequence: missense variant. On other transcripts: non-coding transcript variant (1).
Genome position (GRCh38, 1-based): chrX:64,920,163, C>T on the plus strand (G>A on the coding strand, the complement: ZC4H2 is on the minus strand). VCF-style: chrX-64920163-C-T. GRCh37 (hg19) VCF-style: chrX-64140043-C-T.
Other names: c.247G>A, p.Glu83Lys (NM_001178032.3, NM_001243804.2); c.316G>A, p.Glu106Lys (NM_001178033.3); short protein forms E83K, E106K.
Identifiers: ClinVar variation 2559343 (VCV002559343.7), dbSNP rs1484560905, ClinGen allele CA413411868.
Genomic context (GRCh38, chrX:64,920,163, plus strand): 5'-CTTCACACAAGTCAGGGAGCCTCTGCAGGCCCAGAGTCATGCGCAGGGCATCCACATGTT[C>T]TTTCAGTGGCTTATACTCATCATGCAGCCTCCTTGTAGACTCTAGCAGCTTGTTTAGGTC-3'
Protein context (NP_061154.1, residues 96-116): RLHDEYKPLK[Glu106Lys]HVDALRMTLG